The following is an entry in ClinVar:

ClinVar aggregate classification (germline): Uncertain significance. Review status: criteria provided, multiple submitters, no conflicts (2 of 4 stars). 2 submissions from 2 submitters: Uncertain significance (2). Last evaluated 2026-01-25.

Conditions:
Inborn genetic diseases. Identifiers: MedGen C0950123, MeSH D030342.

gnomAD v4.1: 38 of 1,613,716 alleles (0.0024%); highest among the groups gnomAD compares: Admixed American, 0.005%; no homozygotes.

Submissions (2):

Labcorp Genetics (formerly Invitae), Labcorp
Classification: Uncertain significance. Last evaluated: 2026-01-25. Review status: criteria provided, single submitter. Criteria: Invitae Variant Classification Sherloc (09022015). Collection method: clinical testing. Allele origin: germline.
Comment: This sequence change replaces alanine, which is neutral and non-polar, with valine, which is neutral and non-polar, at codon 474 of the FREM1 protein (p.Ala474Val). This variant is present in population databases (rs754097586, gnomAD 0.003%). This variant has not been reported in the literature in individuals affected with FREM1-related conditions. ClinVar contains an entry for this variant (Variation ID: 4259677). Invitae Evidence Modeling of protein sequence and biophysical properties (such as structural, functional, and spatial information, amino acid conservation, physicochemical variation, residue mobility, and thermodynamic stability) indicates that this missense variant is not expected to disrupt FREM1 protein function with a negative predictive value of 80%. In summary, the available evidence is currently insufficient to determine the role of this variant in disease. Therefore, it has been classified as a Variant of Uncertain Significance.

Ambry Genetics
Classification: Uncertain significance for Inborn genetic diseases. Last evaluated: 2025-08-02. Review status: criteria provided, single submitter. Criteria: Ambry Variant Classification Scheme 2023. Collection method: clinical testing. Allele origin: germline.

NM_001379081.2(FREM1):c.1421C>T (p.Ala474Val)

Gene: FREM1 (FRAS1 related extracellular matrix 1; minus strand). Cytogenetic location: 9p22.3.
Variant type: single nucleotide variant.
Coding change: c.1421C>T on transcript NM_001379081.2 (MANE Select); coding-DNA position 1421, C replaced by T.
Protein change: p.Ala474Val; replaces alanine 474 with valine.
Molecular consequence: missense variant. On other transcripts: non-coding transcript variant (2).
Genome position (GRCh38, 1-based): chr9:14,842,633, G>A on the plus strand (C>T on the coding strand, the complement: FREM1 is on the minus strand). VCF-style: chr9-14842633-G-A. GRCh37 (hg19) VCF-style: chr9-14842631-G-A.
Other names: c.1421C>T, p.Ala474Val (NM_144966.7); short protein forms A474V.
Identifiers: ClinVar variation 4259677 (VCV004259677.2).